The following is an entry in ClinVar:

ClinVar aggregate classification (germline): Likely benign. Review status: criteria provided, multiple submitters, no conflicts (2 of 4 stars). 2 submissions from 2 submitters: Likely benign (2). Last evaluated 2024-05-07.

Conditions:
Acrodysostosis 2 with or without hormone resistance. Also called: ACRODYSOSTOSIS 2 WITH HORMONE RESISTANCE; ACRODYSOSTOSIS 2 WITHOUT HORMONE RESISTANCE. Identifiers: Orphanet 280651, MedGen C3553250, MONDO:0013822, OMIM 614613.

Allele frequency attached by ClinVar (database versions not stated): TOPMed 0.00002.
gnomAD v4.1: 32 of 1,605,406 alleles (0.002%); highest among the groups gnomAD compares: Non-Finnish European, 0.0011%; no homozygotes.

Submissions (2):

Labcorp Genetics (formerly Invitae), Labcorp
Classification: Likely benign. Last evaluated: 2024-05-07. Review status: criteria provided, single submitter. Criteria: Invitae Variant Classification Sherloc (09022015). Collection method: clinical testing. Allele origin: germline.

Illumina Laboratory Services, Illumina
Classification: Likely benign for Acrodysostosis 2 with or without hormone resistance. Last evaluated: 2018-01-12. Review status: criteria provided, single submitter. Criteria: ICSL Variant Classification Criteria 13 December 2019. Collection method: clinical testing. Allele origin: germline.
Comment: This variant was observed in the ICSL laboratory as part of a predisposition screen in an ostensibly healthy population. It had not been previously curated by ICSL or reported in the Human Gene Mutation Database (HGMD: prior to June 1st, 2018), and was therefore a candidate for classification through an automated scoring system. Utilizing variant allele frequency, disease prevalence and penetrance estimates, and inheritance mode, an automated score was calculated to assess if this variant is too frequent to cause the disease. Based on the score and internal cut-off values, a variant classified as likely benign is not then subjected to further curation. The score for this variant resulted in a classification of likely benign for this disease.

NM_001104631.2(PDE4D):c.758+11C>A

Gene: PDE4D (phosphodiesterase 4D; minus strand). Cytogenetic location: 5q11.2.
Variant type: single nucleotide variant.
Coding change: c.758+11C>A on transcript NM_001104631.2 (MANE Select); 11 bases into the intron after coding-DNA position 758, C replaced by A.
Molecular consequence: intron variant.
Genome position (GRCh38, 1-based): chr5:59,185,178, G>T on the plus strand (C>A on the coding strand, the complement: PDE4D is on the minus strand). VCF-style: chr5-59185178-G-T. GRCh37 (hg19) VCF-style: chr5-58481004-G-T.
Other names: c.575+11C>A (NM_001364599.1, NM_001165899.2, NM_001364600.2); c.-10-4534C>A (NM_001349243.2, NM_001364604.1); c.545+11C>A (NM_001349241.2); c.566+11C>A (NM_001197218.2, NM_001364602.2); c.-193+11C>A (NM_001364603.1); c.350+11C>A (NM_006203.5); c.428+11C>A (NM_001349242.2); c.392+11C>A (NM_001197219.2); and 1 more.
Identifiers: ClinVar variation 904305 (VCV000904305.7), dbSNP rs202215336, ClinGen allele CA3276348.